The following is an entry in ClinVar:

ClinVar aggregate classification (germline): Uncertain significance (1 of 4 stars; one submission).

Conditions:
Mitochondrial complex II deficiency, nuclear type 1. Also called: SUCCINATE CoQ REDUCTASE DEFICIENCY. Identifiers: Orphanet 3208, MedGen C5700310, MONDO:0100294, OMIM 252011.
Pheochromocytoma/paraganglioma syndrome 5. Also called: Paragangliomas 5; SDHA-Related Hereditary Paraganglioma-Pheochromocytoma Syndrome. Identifiers: Orphanet 29072, MedGen C3279992, MONDO:0013602, OMIM 614165.

Submission:

Labcorp Genetics (formerly Invitae), Labcorp
Classification: Uncertain significance for Pheochromocytoma/paraganglioma syndrome 5; Mitochondrial complex II deficiency, nuclear type 1. Last evaluated: 2020-07-19. Review status: criteria provided, single submitter. Criteria: Invitae Variant Classification Sherloc (09022015). Collection method: clinical testing. Allele origin: germline.
Comment: This variant is not present in population databases (ExAC no frequency). In summary, the available evidence is currently insufficient to determine the role of this variant in disease. Therefore, it has been classified as a Variant of Uncertain Significance. Advanced modeling of protein sequence and biophysical properties (such as structural, functional, and spatial information, amino acid conservation, physicochemical variation, residue mobility, and thermodynamic stability) performed at Invitae indicates that this missense variant is not expected to disrupt SDHA protein function. This variant has not been reported in the literature in individuals with SDHA-related conditions. This sequence change replaces proline with arginine at codon 609 of the SDHA protein (p.Pro609Arg). The proline residue is highly conserved and there is a moderate physicochemical difference between proline and arginine.

NM_004168.4(SDHA):c.1826C>G (p.Pro609Arg)

Gene: SDHA (succinate dehydrogenase complex flavoprotein subunit A; plus strand). Cytogenetic location: 5p15.33.
Variant type: single nucleotide variant.
Coding change: c.1826C>G on transcript NM_004168.4 (MANE Select); coding-DNA position 1826, C replaced by G.
Protein change: p.Pro609Arg; replaces proline 609 with arginine.
Molecular consequence: missense variant.
Genome position (GRCh38, 1-based): chr5:254,424, C>G. VCF-style: chr5-254424-C-G. GRCh37 (hg19) VCF-style: chr5-254539-C-G.
Other names: c.1682C>G, p.Pro561Arg (NM_001294332.2); c.1583C>G, p.Pro528Arg (NM_001330758.2); short protein forms P528R, P561R, P609R.
Identifiers: ClinVar variation 1051462 (VCV001051462.9), dbSNP rs2126641323, ClinGen allele CA359001804.